The following is an entry in ClinVar:

NM_001365951.3(KIF1B):c.3838T>C (p.Cys1280Arg)

Gene: KIF1B (kinesin family member 1B; plus strand). Cytogenetic location: 1p36.22.
Variant type: single nucleotide variant.
Coding change: c.3838T>C on transcript NM_001365951.3 (MANE Select); coding-DNA position 3838, T replaced by C.
Protein change: p.Cys1280Arg; replaces cysteine 1280 with arginine.
Molecular consequence: missense variant.
Genome position (GRCh38, 1-based): chr1:10,347,801, T>C. VCF-style: chr1-10347801-T-C. GRCh37 (hg19) VCF-style: chr1-10407859-T-C.
Other names: c.3838T>C, p.Cys1280Arg (NM_001365952.1); c.3700T>C, p.Cys1234Arg (NM_015074.3); short protein forms C1234R, C1280R.
Identifiers: ClinVar variation 1734104 (VCV001734104.2), dbSNP rs2521792060, ClinGen allele CA338343232.

ClinVar aggregate classification (germline): Uncertain significance (1 of 4 stars; one submission).

Submission:

Ambry Genetics
Classification: Uncertain significance. Last evaluated: 2021-04-06. Review status: criteria provided, single submitter. Criteria: Ambry Variant Classification Scheme 2023. Collection method: clinical testing. Allele origin: germline.
Comment: The p.C1234R variant (also known as c.3700T>C), located in coding exon 33 of the KIF1B gene, results from a T to C substitution at nucleotide position 3700. The cysteine at codon 1234 is replaced by arginine, an amino acid with highly dissimilar properties. This amino acid position is highly conserved in available vertebrate species. In addition, this alteration is predicted to be deleterious by in silico analysis. Since supporting evidence is limited at this time, the clinical significance of this alteration remains unclear.